The following is an entry in ClinVar:

NM_006767.4(LZTR1):c.1879G>C (p.Glu627Gln)

Gene: LZTR1 (leucine zipper like post translational regulator 1; plus strand). Cytogenetic location: 22q11.21.
Variant type: single nucleotide variant.
Coding change: c.1879G>C on transcript NM_006767.4 (MANE Select); coding-DNA position 1879, G replaced by C.
Protein change: p.Glu627Gln; replaces glutamic acid 627 with glutamine.
Molecular consequence: missense variant.
Genome position (GRCh38, 1-based): chr22:20,994,963, G>C. VCF-style: chr22-20994963-G-C. GRCh37 (hg19) VCF-style: chr22-21349252-G-C.
Other names: short protein forms E627Q.
Identifiers: ClinVar variation 3680045 (VCV003680045.2).

ClinVar aggregate classification (germline): Uncertain significance (1 of 4 stars; one submission).

Submission:

Labcorp Genetics (formerly Invitae), Labcorp
Classification: Uncertain significance. Last evaluated: 2024-12-30. Review status: criteria provided, single submitter. Criteria: Invitae Variant Classification Sherloc (09022015). Collection method: clinical testing. Allele origin: germline.
Comment: This sequence change replaces glutamic acid, which is acidic and polar, with glutamine, which is neutral and polar, at codon 627 of the LZTR1 protein (p.Glu627Gln). This variant is not present in population databases (gnomAD no frequency). This variant has not been reported in the literature in individuals affected with LZTR1-related conditions. Invitae Evidence Modeling of protein sequence and biophysical properties (such as structural, functional, and spatial information, amino acid conservation, physicochemical variation, residue mobility, and thermodynamic stability) indicates that this missense variant is not expected to disrupt LZTR1 protein function with a negative predictive value of 80%. In summary, the available evidence is currently insufficient to determine the role of this variant in disease. Therefore, it has been classified as a Variant of Uncertain Significance.